The following continues an entry in ClinVar:

NM_000256.3(MYBPC3):c.927-2A>G

Gene: MYBPC3. ClinVar aggregate classification (germline): Pathogenic. Pathogenic (21).

Submissions 14 to 25 of 25:

Ambry Genetics
Classification: Pathogenic for Cardiovascular phenotype. Last evaluated: 2021-02-09. Review status: criteria provided, single submitter. Criteria: Ambry General Variant Classification Scheme_2022. Collection method: clinical testing. Allele origin: germline. Observed: 1 variant allele.
Comment: The c.927-2A>G intronic pathogenic mutation results from an A to G substitution two nucleotides upstream from coding exon 12 in the MYBPC3 gene. This alteration has been previously reported in association with hypertrophic cardiomyopathy (Niimura H et al. N. Engl. J. Med., 1998 Apr;338:1248-57 (reported as Int12ASA-2G); Richard P et al. Circulation, 2003 May;107:2227-32 (reported as IVS12&ndash;2:a7308g); Ehlermann P et al. BMC Med. Genet., 2008 Oct;9:95; Kuster DW et al. J. Mol. Cell. Cardiol., 2013 Dec;65:59-66; Walsh R et al. Genet. Med., 2017 Feb;19:192-203), and reported to segregate with disease in families (Niimura H et al. N. Engl. J. Med., 1998 Apr;338:1248-57; Ehlermann P et al. BMC Med. Genet., 2008 Oct;9:95; Adalsteinsdottir B et al. Open Heart, 2020 Apr;7:e001220). In addition, haplotype analysis has suggested this alteration to be a founder mutation in Iceland (Adalsteinsdottir B et al. Circulation, 2014 Sep;130:1158-67). In addition to the clinical data presented in the literature, alterations that disrupt the canonical splice site are expected to cause aberrant splicing, resulting in an abnormal protein or a transcript that is subject to nonsense-mediated mRNA decay. As such, this alteration is classified as a disease-causing mutation.

Klaassen Lab, Charite University Medicine Berlin
Classification: Pathogenic for Primary familial hypertrophic cardiomyopathy. Last evaluated: 2019-07-03. Review status: criteria provided, single submitter. Criteria: ACMG Guidelines, 2015. Collection method: research. Allele origin: germline. Affected: yes.

Revvity Omics, Revvity
Classification: Pathogenic. Last evaluated: 2019-04-19. Review status: criteria provided, single submitter. Criteria: ACMG Guidelines, 2015. Collection method: clinical testing. Allele origin: germline.

Laboratory for Molecular Medicine, Mass General Brigham Personalized Medicine
Classification: Pathogenic for Hypertrophic cardiomyopathy. Last evaluated: 2019-02-01. Review status: criteria provided, single submitter. Criteria: LMM Criteria. Collection method: clinical testing. Allele origin: germline. Inheritance: Autosomal dominant inheritance. Observed: 6 variant alleles.
Comment: The c.927-2A>G variant in MYBPC3 has been identified in several individuals with HCM, segregated with disease in >10 affected relatives, and was absent from 400 control chromosomes (Nimura 1998, Richard 2003, Ehlermann 2008), as well as in two large and broad populations screened NHLBI Exome sequencing project. In addition, this variant affects the invariant (-1/-2) positions in the splice consensus sequence, and was confirmed to lead to aberrant splicing in lymphoblast cells from HCM patients with this variant (Nimura 1998). In summary, this variant meets our criteria for pathogenicity based on familial segregation analyses and the impact of the variant.

Center for Human Genetics, University of Leuven
Classification: Pathogenic for Hypertrophic cardiomyopathy. Last evaluated: 2018-10-31. Review status: criteria provided, single submitter. Criteria: ACMG Guidelines, 2015. Collection method: clinical testing. Allele origin: germline. Affected: yes.

Clinical Genetics DNA and cytogenetics Diagnostics Lab, Erasmus MC, Erasmus Medical Center
Classification: Pathogenic for Hypertrophic cardiomyopathy 4. Last evaluated: 2015-09-21. Review status: criteria provided, single submitter. Criteria: ACGS Guidelines, 2013. Collection method: clinical testing. Allele origin: germline. Affected: yes. Study: VKGL Data-share Consensus.

Genome Diagnostics Laboratory, University Medical Center Utrecht
Classification: Pathogenic for Hypertrophic cardiomyopathy 4. Last evaluated: 2014-10-08. Review status: criteria provided, single submitter. Criteria: ACGS Guidelines, 2013. Collection method: clinical testing. Allele origin: germline. Affected: yes. Study: VKGL Data-share Consensus.

Stanford Center for Inherited Cardiovascular Disease, Stanford University
Classification: Pathogenic. Last evaluated: 2014-07-18. Review status: criteria provided, single submitter. Criteria: ACMG Guidelines, 2015. Collection method: provider interpretation. Allele origin: germline.

deCODE genetics, Amgen
Classification: Pathogenic for Hypertrophic cardiomyopathy 4. Last evaluated: 2023-07-21. Review status: no assertion criteria provided. Collection method: research. Allele origin: germline. Affected: yes. Observed: 561 variant alleles. Not counted in ClinVar's aggregate classification.
Comment: The variant NM_000256.3:c.927-2A>G (chr11:47346372) in MYBPC3 was detected in 218 heterozygotes out of 58K WGS Icelanders (MAF= 0,188%). Following imputation in a set of 166K Icelanders (561 imputed heterozygotes) we observed an association with cardiomyopathy using 1974 cases and 365360 controls (OR= 48.62, P= 3.25e-170), heart failure using 20765 cases and 367806 controls (OR= 3.68, P= 1.27e-22), atrial fibrillation and flutter using 20168 cases and 351419 controls (OR= 2.73, P= 8.47e-12) and sudden cardiac death using 4784 cases and 358521 controls (OR= 1.93, P= 5.10e-03). This variant has been reported in ClinVar previously as pathogenic. Based on ACMG criteria (PVS1, PS4, PP5) this variant classifies as pathogenic.

Clinical Genetics, Academic Medical Center
Classification: Pathogenic. Review status: no assertion criteria provided. Collection method: clinical testing. Allele origin: germline. Affected: yes. Study: VKGL Data-share Consensus. Not counted in ClinVar's aggregate classification.

Diagnostic Laboratory, Department of Genetics, University Medical Center Groningen
Classification: Pathogenic for Hypertrophic cardiomyopathy 4. Review status: no assertion criteria provided. Collection method: clinical testing. Allele origin: germline. Affected: yes. Study: VKGL Data-share Consensus. Not counted in ClinVar's aggregate classification.

Joint Genome Diagnostic Labs from Nijmegen and Maastricht, Radboudumc and MUMC+
Classification: Pathogenic. Review status: no assertion criteria provided. Collection method: clinical testing. Allele origin: germline. Affected: yes. Study: VKGL Data-share Consensus. Not counted in ClinVar's aggregate classification.

Literature cited by the submitters: PubMed 16199547 (cited by Labcorp Genetics (formerly Invitae), Labcorp); PubMed 19574547 (cited by Labcorp Genetics (formerly Invitae), Labcorp and Variantyx, Inc.); PubMed 9562578 (cited by 6 submitters); PubMed 22574137 (cited by Labcorp Genetics (formerly Invitae), Labcorp and Mayo Clinic Laboratories, Mayo Clinic); PubMed 25078086 (cited by 3 submitters); PubMed 27532257 (cited by 3 submitters); PubMed 12707239 (cited by 4 submitters); PubMed 18957093 (cited by 4 submitters); PubMed 20019025 (cited by Mayo Clinic Laboratories, Mayo Clinic and Laboratory for Molecular Medicine, Mass General Brigham Personalized Medicine); PubMed 27535533 (cited by Mayo Clinic Laboratories, Mayo Clinic); PubMed 30775854 (cited by Mayo Clinic Laboratories, Mayo Clinic and Ambry Genetics); PubMed 30847666 (cited by Mayo Clinic Laboratories, Mayo Clinic and Ambry Genetics); PubMed 31006259 (cited by Mayo Clinic Laboratories, Mayo Clinic and Ambry Genetics); PubMed 31513939 (cited by Mayo Clinic Laboratories, Mayo Clinic and Ambry Genetics); PubMed 32341788 (cited by Mayo Clinic Laboratories, Mayo Clinic and Ambry Genetics); PubMed 33906374 (cited by Mayo Clinic Laboratories, Mayo Clinic); PubMed 34400558 (cited by Mayo Clinic Laboratories, Mayo Clinic); PubMed 9742053 (cited by Women's Health and Genetics/Laboratory Corporation of America, LabCorp); PubMed 24083979 (cited by Ambry Genetics); PubMed 26914223 (cited by Ambry Genetics); PubMed 31333075 (cited by Klaassen Lab, Charite University Medicine Berlin); PubMed 31568572 (cited by Klaassen Lab, Charite University Medicine Berlin).